The following is an entry in ClinVar:

ClinVar aggregate classification (germline): Uncertain significance (1 of 4 stars; one submission).

Conditions:
Neuroblastoma, susceptibility to, 3. Also called: ALK-Related Neuroblastic Tumor Susceptibility. Identifiers: Orphanet 635, MedGen C2751681, MONDO:0013083, OMIM 613014.

Allele frequency attached by ClinVar (database versions not stated): gnomAD exomes 0.00001.
gnomAD v4.1: 4 of 1,562,558 alleles (0.00026%); highest among the groups gnomAD compares: South Asian, 0.0046%; no homozygotes.

Submission:

Labcorp Genetics (formerly Invitae), Labcorp
Classification: Uncertain significance for Neuroblastoma, susceptibility to, 3. Last evaluated: 2019-01-29. Review status: criteria provided, single submitter. Criteria: Invitae Variant Classification Sherloc (09022015). Collection method: clinical testing. Allele origin: germline.
Comment: This sequence change replaces serine with proline at codon 21 of the ALK protein (p.Ser21Pro). The serine residue is moderately conserved and there is a moderate physicochemical difference between serine and proline. The frequency data for this variant in the population databases is considered unreliable, as metrics indicate insufficient coverage at this position in the ExAC database. This variant has not been reported in the literature in individuals with ALK-related conditions. Algorithms developed to predict the effect of missense changes on protein structure and function output the following: SIFT: "Deleterious"; PolyPhen-2: "Benign"; Align-GVGD: "Class C0". The proline amino acid residue is found in multiple mammalian species, suggesting that this missense change does not adversely affect protein function. These predictions have not been confirmed by published functional studies and their clinical significance is uncertain. In summary, the available evidence is currently insufficient to determine the role of this variant in disease. Therefore, it has been classified as a Variant of Uncertain Significance.

NM_004304.5(ALK):c.61T>C (p.Ser21Pro)

Gene: ALK (ALK receptor tyrosine kinase; minus strand). Cytogenetic location: 2p23.1.
Variant type: single nucleotide variant.
Coding change: c.61T>C on transcript NM_004304.5 (MANE Select); coding-DNA position 61, T replaced by C.
Protein change: p.Ser21Pro; replaces serine 21 with proline.
Molecular consequence: missense variant.
Genome position (GRCh38, 1-based): chr2:29,920,599, A>G on the plus strand (T>C on the coding strand, the complement: ALK is on the minus strand). VCF-style: chr2-29920599-A-G. GRCh37 (hg19) VCF-style: chr2-30143465-A-G.
Other names: short protein forms S21P.
Identifiers: ClinVar variation 860798 (VCV000860798.9), dbSNP rs1275224090, ClinGen allele CA346590766.
Genomic context (GRCh38, chr2:29,920,599, plus strand): 5'-GGGGCTGCAGCGGCGGCCCCGCAGCTGGGGAGCCCGCGCGCTGGCCGGTCCCCATCCCGG[A>G]GCCCACAGCTGCCGTGGAAAGCAGCAGCGGCAGGAGCCACAGGAGCCCGATGGCTCCCAT-3'
Protein context (NP_004295.2, residues 11-31): PLLLSTAAVG[Ser21Pro]GMGTGQRAGS